The following is an entry in ClinVar:

ClinVar aggregate classification (germline): Conflicting classifications of pathogenicity. Review status: criteria provided, conflicting classifications (1 of 4 stars). 6 submissions from 6 submitters: Uncertain significance (5); Likely benign (1). Last evaluated 2025-12-17.

Conditions:
Familial adenomatous polyposis 3. Also called: NTHL1-Related Adenomatous Polyposis and Colorectal Cancer; NTHL1-associated polyposis; NTHL1-related attenuated familial adenomatous polyposis; NTHL1 Tumor Syndrome. Identifiers: Orphanet 220460, Orphanet 454840, MedGen C4225157, MONDO:0014630, OMIM 616415.
Hereditary cancer-predisposing syndrome. Also called: Tumor predisposition; Neoplastic Syndromes, Hereditary; Hereditary Cancer Syndrome; Hereditary neoplastic syndrome. Identifiers: Orphanet 140162, MedGen C0027672, MeSH D009386, MONDO:0015356.

Allele frequency attached by ClinVar (database versions not stated): gnomAD exomes 0.00002; ExAC 0.00006; TOPMed 0.00006; gnomAD 0.00007.
gnomAD v4.1: 23 of 1,583,170 alleles (0.0015%); highest among the groups gnomAD compares: African/African-American, 0.016%; no homozygotes.

Submissions (6):

Labcorp Genetics (formerly Invitae), Labcorp
Classification: Uncertain significance. Last evaluated: 2025-12-17. Review status: criteria provided, single submitter. Criteria: Invitae Variant Classification Sherloc (09022015). Collection method: clinical testing. Allele origin: germline.
Comment: This sequence change replaces glutamic acid, which is acidic and polar, with glutamine, which is neutral and polar, at codon 43 of the NTHL1 protein (p.Glu43Gln). This variant is present in population databases (rs747272786, gnomAD 0.02%). This variant has not been reported in the literature in individuals affected with NTHL1-related conditions. ClinVar contains an entry for this variant (Variation ID: 652103). An algorithm developed to predict the effect of missense changes on protein structure and function (PolyPhen-2) suggests that this variant is likely to be tolerated. In summary, the available evidence is currently insufficient to determine the role of this variant in disease. Therefore, it has been classified as a Variant of Uncertain Significance.

Ambry Genetics
Classification: Likely benign for Hereditary cancer-predisposing syndrome. Last evaluated: 2024-03-27. Review status: criteria provided, single submitter. Criteria: Ambry Variant Classification Scheme 2023. Collection method: clinical testing. Allele origin: germline.

Baylor Genetics
Classification: Uncertain significance for Familial adenomatous polyposis 3. Last evaluated: 2023-09-26. Review status: criteria provided, single submitter. Criteria: ACMG Guidelines, 2015. Collection method: clinical testing. Allele origin: unknown.

Quest Diagnostics Nichols Institute San Juan Capistrano
Classification: Uncertain significance. Last evaluated: 2023-04-07. Review status: criteria provided, single submitter. Criteria: Quest Diagnostics criteria. Collection method: clinical testing. Allele origin: unknown.
Comment: The variant has not been reported in the published literature. The frequency of this variant in the general population, 0.0002 (4/19620 chromosomes), is uninformative in assessment of its pathogenicity. Analysis of this variant using bioinformatics tools for the prediction of the effect of amino acid changes on protein structure and function yielded predictions that this variant is benign. Based on the available information, we are unable to determine the clinical significance of this variant.

GeneDx
Classification: Uncertain significance. Last evaluated: 2023-01-17. Review status: criteria provided, single submitter. Criteria: GeneDx Variant Classification Process June 2021. Collection method: clinical testing. Allele origin: germline. Affected: yes.
Comment: In silico analysis supports that this missense variant does not alter protein structure/function; Has not been previously published as pathogenic or benign to our knowledge

Sema4
Classification: Uncertain significance for Hereditary cancer-predisposing syndrome. Last evaluated: 2022-02-25. Review status: criteria provided, single submitter. Criteria: Sema4 Curation Guidelines. Collection method: curation. Allele origin: germline.
Comment: The NTHL1 c.127G>C (p.E43Q) variant has not been reported in the literature to our knowledge. It was observed in 4/19620 chromosomes of the African/African American subpopulation in the large and broad cohorts of the Genome Aggregation Database (PMID: 32461654). The variant has been reported in ClinVar (Variation ID 652103). In silico tools suggest the impact of the variant on protein function is benign, though these predictions have not been confirmed by functional studies. The evidence is insufficient to meet ACMG/AMP criteria for classifying the variant as benign or pathogenic. Thus, the clinical significance of this variant is currently uncertain.

NM_002528.7(NTHL1):c.103G>C (p.Glu35Gln)

Gene: NTHL1 (nth like DNA glycosylase 1; minus strand). Cytogenetic location: 16p13.3.
Variant type: single nucleotide variant.
Coding change: c.103G>C on transcript NM_002528.7 (MANE Select); coding-DNA position 103, G replaced by C.
Protein change: p.Glu35Gln; replaces glutamic acid 35 with glutamine.
Molecular consequence: missense variant. On other transcripts: 5 prime UTR variant (1).
Genome position (GRCh38, 1-based): chr16:2,047,721, C>G on the plus strand (G>C on the coding strand, the complement: NTHL1 is on the minus strand). VCF-style: chr16-2047721-C-G. GRCh37 (hg19) VCF-style: chr16-2097722-C-G.
Other names: c.103G>C, p.Glu35Gln (LRG_1366t1, NM_001318193.2); c.-76G>C (NM_001318194.2); short protein forms E35Q.
Identifiers: ClinVar variation 652103 (VCV000652103.20), dbSNP rs747272786, ClinGen allele CA027431.